The following is an entry in ClinVar:

ClinVar aggregate classification (germline): Uncertain significance (1 of 4 stars; one submission).

Conditions:
Autosomal recessive nonsyndromic hearing loss 89. Also called: Deafness, autosomal recessive 89. Identifiers: Orphanet 90636, MedGen C3151351, MONDO:0013489, OMIM 613916.

Submission:

3billion
Classification: Uncertain significance for Autosomal recessive nonsyndromic hearing loss 89. Last evaluated: 2022-05-22. Review status: criteria provided, single submitter. Criteria: ACMG Guidelines, 2015. Collection method: clinical testing. Allele origin: germline. Affected: yes. Observed: 1 heterozygote.
Comment: The variant is not observed in the gnomAD v2.1.1 dataset. In silico tool predictions suggest damaging effect of the variant on gene or gene product (REVEL: 0.79; 3Cnet: 0.18). Different missense changes at the same codon (p.Pro505Arg, p.Pro505Ser) have been reported to be associated with KARS1 related disorder (ClinVar ID: VCV000437930 / PMID: 28887846, 32730690). However the evidence of pathogenicity is insufficient at this time. Therefore, this variant is classified as uncertain significanceaccording to the recommendation of ACMG/AMP guideline.

Literature cited by the submitters: PubMed 28887846; PubMed 32730690.

NM_005548.3(KARS1):c.1513C>G (p.Pro505Ala)

Gene: KARS1 (lysyl-tRNA synthetase 1; minus strand). Cytogenetic location: 16q23.1.
Variant type: single nucleotide variant.
Coding change: c.1513C>G on transcript NM_005548.3 (MANE Select); coding-DNA position 1513, C replaced by G.
Protein change: p.Pro505Ala; replaces proline 505 with alanine.
Molecular consequence: missense variant.
Genome position (GRCh38, 1-based): chr16:75,629,453, G>C on the plus strand (C>G on the coding strand, the complement: KARS1 is on the minus strand). VCF-style: chr16-75629453-G-C. GRCh37 (hg19) VCF-style: chr16-75663351-G-C.
Other names: c.1597C>G, p.Pro533Ala (NM_001130089.2); c.1045C>G, p.Pro349Ala (NM_001378148.1); short protein forms P349A, P505A, P533A.
Identifiers: ClinVar variation 1687372 (VCV001687372.1), dbSNP rs1555512658, ClinGen allele CA396810647.